The following is an entry in ClinVar:

ClinVar aggregate classification (germline): Pathogenic (1 of 4 stars; one submission).

Conditions:
Hereditary cancer-predisposing syndrome. Also called: Tumor predisposition; Neoplastic Syndromes, Hereditary; Hereditary Cancer Syndrome; Hereditary neoplastic syndrome. Identifiers: Orphanet 140162, MedGen C0027672, MeSH D009386, MONDO:0015356.

Submission:

Ambry Genetics
Classification: Pathogenic for Hereditary cancer-predisposing syndrome. Last evaluated: 2024-10-25. Review status: criteria provided, single submitter. Criteria: Ambry Variant Classification Scheme 2023. Collection method: clinical testing. Allele origin: germline.
Comment: The c.9335delA pathogenic mutation, located in coding exon 24 of the BRCA2 gene, results from a deletion of one nucleotide at nucleotide position 9335, causing a translational frameshift with a predicted alternate stop codon (p.D3112Afs*8). This variant is considered to be rare based on population cohorts in the Genome Aggregation Database (gnomAD). This alteration is expected to result in loss of function by premature protein truncation or nonsense-mediated mRNA decay. As such, this alteration is interpreted as a disease-causing mutation.

NM_000059.4(BRCA2):c.9335del (p.Asp3112fs)

Gene: BRCA2 (BRCA2 DNA repair associated; plus strand). Cytogenetic location: 13q13.1.
Variant type: Deletion.
Coding change: c.9335del on transcript NM_000059.4 (MANE Select); coding-DNA position 9335, one base deleted (A; older notation c.9335delA).
Protein change: p.Asp3112fs; shifts the reading frame from aspartic acid 3112.
Molecular consequence: frameshift variant. On other transcripts: non-coding transcript variant (1).
Genome position (GRCh38, 1-based): chr13:32,394,767, A deleted. VCF-style (leftmost placement, unchanged base first): chr13-32394766-GA-G. GRCh37 (hg19) VCF-style: chr13-32968903-GA-G.
Other names: c.9239del, p.Asp3080fs (NM_001406719.1); c.9284del, p.Asp3095fs (NM_001406720.1); c.4403del, p.Asp1468fs (NM_001406721.1); c.2918del, p.Asp973fs (NM_001406722.1); c.9335del, p.Asp3112fs (NM_001432077.1); short protein forms D1468fs, D3095fs, D973fs, D3080fs, D3112fs.
Identifiers: ClinVar variation 3482146 (VCV003482146.1).